The following is an entry in ClinVar:

NM_000132.4(F8):c.6188-2A>G

Gene: F8 (coagulation factor VIII; minus strand). Cytogenetic location: Xq28.
Variant type: single nucleotide variant.
Coding change: c.6188-2A>G on transcript NM_000132.4 (MANE Select); the canonical splice acceptor site of the intron before coding-DNA position 6188, A replaced by G.
Molecular consequence: splice acceptor variant.
Genome position (GRCh38, 1-based): chrX:154,899,953, T>C on the plus strand (A>G on the coding strand, the complement: F8 is on the minus strand). VCF-style: chrX-154899953-T-C. GRCh37 (hg19) VCF-style: chrX-154128228-T-C.
Identifiers: ClinVar variation 3039237 (VCV003039237.2), dbSNP rs2523879905, ClinGen allele CA414903357.

ClinVar aggregate classification (germline): Likely pathogenic (0 of 4 stars; one submission).

Conditions:
F8-related disorder. Also called: F8-related condition.

Submission:

PreventionGenetics, part of Exact Sciences
Classification: Likely pathogenic for F8-related condition. Last evaluated: 2024-01-04. Review status: no assertion criteria provided. Collection method: clinical testing. Allele origin: germline.
Comment: The F8 c.6188-2A>G variant is predicted to disrupt the AG splice acceptor site and interfere with normal splicing. To our knowledge, this variant has not been reported in the literature or in a large population database, indicating this variant is rare. Variants that disrupt the consensus splice acceptor site in F8 are expected to be pathogenic. This variant is interpreted as likely pathogenic.